The following is an entry in ClinVar:

NM_001164586.2(IGFN1):c.5928T>C (p.Ser1976=)

Gene: IGFN1 (immunoglobulin like and fibronectin type III domain containing 1; plus strand). Cytogenetic location: 1q32.1.
Variant type: single nucleotide variant.
Coding change: c.5928T>C on transcript NM_001164586.2 (MANE Select); coding-DNA position 5928, T replaced by C.
Protein change: p.Ser1976=; no amino-acid change (serine 1976 retained).
Molecular consequence: synonymous variant. On other transcripts: intron variant (1).
Genome position (GRCh38, 1-based): chr1:201,210,821, T>C. VCF-style: chr1-201210821-T-C. GRCh37 (hg19) VCF-style: chr1-201179949-T-C.
Other names: c.1242-2685T>C (NM_001367841.1).
Identifiers: ClinVar variation 2639760 (VCV002639760.24), dbSNP rs762931562, ClinGen allele CA1322663.
Genomic context (GRCh38, chr1:201,210,821, plus strand): 5'-AGTGAATAAGGCAGGTTATAGGAAGGATTTGGGGGCTCCTAAGGGAATGGGTTCAGGGAG[T>C]AAGGAAGGTTTCAGGGATGGTTTAGGGGGTTCTGAGGAAATGGGGTCAATGGATGAGGCA-3'
Protein context (NP_001158058.1, residues 1966-1986): LGAPKGMGSG[Ser1976=]KEGFRDGLGG

ClinVar aggregate classification (germline): Likely benign (1 of 4 stars; one submission).

Submission:

CeGaT Center for Human Genetics Tuebingen
Classification: Likely benign. Last evaluated: 2023-05-01. Review status: criteria provided, single submitter. Criteria: CeGaT Center For Human Genetics Tuebingen Variant Classification Criteria Version 2. Collection method: clinical testing. Allele origin: germline. Affected: yes. Observed: 1 variant allele.
Comment: IGFN1: BP4, BP7